The following is an entry in ClinVar:

ClinVar aggregate classification (germline): Uncertain significance (1 of 4 stars; one submission).

Allele frequency attached by ClinVar (database versions not stated): ExAC 0.00001; gnomAD exomes 0.00001; TOPMed 0.00001.

Submission:

Labcorp Genetics (formerly Invitae), Labcorp
Classification: Uncertain significance. Last evaluated: 2024-02-23. Review status: criteria provided, single submitter. Criteria: Invitae Variant Classification Sherloc (09022015). Collection method: clinical testing. Allele origin: germline.
Comment: This sequence change replaces threonine, which is neutral and polar, with alanine, which is neutral and non-polar, at codon 423 of the GSR protein (p.Thr423Ala). This variant is present in population databases (rs748009132, gnomAD 0.006%). This variant has not been reported in the literature in individuals affected with GSR-related conditions. Advanced modeling of protein sequence and biophysical properties (such as structural, functional, and spatial information, amino acid conservation, physicochemical variation, residue mobility, and thermodynamic stability) performed at Invitae indicates that this missense variant is not expected to disrupt GSR protein function with a negative predictive value of 80%. In summary, the available evidence is currently insufficient to determine the role of this variant in disease. Therefore, it has been classified as a Variant of Uncertain Significance.

NM_000637.5(GSR):c.1267A>G (p.Thr423Ala)

Gene: GSR (glutathione-disulfide reductase; minus strand). Cytogenetic location: 8p12.
Variant type: single nucleotide variant.
Coding change: c.1267A>G on transcript NM_000637.5 (MANE Select); coding-DNA position 1267, A replaced by G.
Protein change: p.Thr423Ala; replaces threonine 423 with alanine.
Molecular consequence: missense variant.
Genome position (GRCh38, 1-based): chr8:30,681,948, T>C on the plus strand (A>G on the coding strand, the complement: GSR is on the minus strand). VCF-style: chr8-30681948-T-C. GRCh37 (hg19) VCF-style: chr8-30539465-T-C.
Other names: c.1180A>G, p.Thr394Ala (NM_001195102.3); c.1108A>G, p.Thr370Ala (NM_001195103.3); c.1021A>G, p.Thr341Ala (NM_001195104.3); short protein forms T341A, T370A, T394A, T423A.
Identifiers: ClinVar variation 2959412 (VCV002959412.3), dbSNP rs748009132, ClinGen allele CA4701237.
Genomic context (GRCh38, chr8:30,681,948, plus strand): 5'-AGGAAGGAAACCACAAATGACCTTCAGTTTTTAAATACCTACCTTCCGTGAGTCCCACTG[T>C]CCCAATAGGGGGGTGGCTGAAGACCACAGTTGGGATGTTGTTATAATCTAATTTGGAATC-3'
Protein context (NP_000628.2, residues 413-433): TVVFSHPPIG[Thr423Ala]VGLTEDEAIH